The following is an entry in ClinVar:

NM_001852.4(COL9A2):c.1662G>T (p.Met554Ile)

Gene: COL9A2 (collagen type IX alpha 2 chain; minus strand). Cytogenetic location: 1p34.2.
Variant type: single nucleotide variant.
Coding change: c.1662G>T on transcript NM_001852.4 (MANE Select); coding-DNA position 1662, G replaced by T.
Protein change: p.Met554Ile; replaces methionine 554 with isoleucine.
Molecular consequence: missense variant.
Genome position (GRCh38, 1-based): chr1:40,302,751, C>A on the plus strand (G>T on the coding strand, the complement: COL9A2 is on the minus strand). VCF-style: chr1-40302751-C-A. GRCh37 (hg19) VCF-style: chr1-40768423-C-A.
Other names: short protein forms M554I.
Identifiers: ClinVar variation 3624839 (VCV003624839.2).
Genomic context (GRCh38, chr1:40,302,751, plus strand): 5'-CCCATGGGGGCCCTGCTTGCCTGGGTACCCAGGGGGCCCAGGAGGTCCTGGAGGACCCAT[C>A]ATGCCCACCGCACCCAGGGCTTCCCGCTTGGCACTCACGGCGACCTCTGCCAGTTGCTCT-3'
Protein context (NP_001843.1, residues 544-564): AKREALGAVG[Met554Ile]MGPPGPPGPP

ClinVar aggregate classification (germline): Uncertain significance (1 of 4 stars; one submission).

Submission:

Labcorp Genetics (formerly Invitae), Labcorp
Classification: Uncertain significance. Last evaluated: 2024-10-30. Review status: criteria provided, single submitter. Criteria: Invitae Variant Classification Sherloc (09022015). Collection method: clinical testing. Allele origin: germline.
Comment: This sequence change replaces methionine, which is neutral and non-polar, with isoleucine, which is neutral and non-polar, at codon 554 of the COL9A2 protein (p.Met554Ile). This variant is not present in population databases (gnomAD no frequency). This variant has not been reported in the literature in individuals affected with COL9A2-related conditions. Invitae Evidence Modeling of protein sequence and biophysical properties (such as structural, functional, and spatial information, amino acid conservation, physicochemical variation, residue mobility, and thermodynamic stability) indicates that this missense variant is not expected to disrupt COL9A2 protein function with a negative predictive value of 95%. In summary, the available evidence is currently insufficient to determine the role of this variant in disease. Therefore, it has been classified as a Variant of Uncertain Significance.